The following is an entry in ClinVar:

NM_001164665.2(KIAA1549):c.979A>G (p.Thr327Ala)

Gene: KIAA1549 (KIAA1549; minus strand). Cytogenetic location: 7q34.
Variant type: single nucleotide variant.
Coding change: c.979A>G on transcript NM_001164665.2 (MANE Select); coding-DNA position 979, A replaced by G.
Protein change: p.Thr327Ala; replaces threonine 327 with alanine.
Molecular consequence: missense variant.
Genome position (GRCh38, 1-based): chr7:138,918,647, T>C on the plus strand (A>G on the coding strand, the complement: KIAA1549 is on the minus strand). VCF-style: chr7-138918647-T-C. GRCh37 (hg19) VCF-style: chr7-138603393-T-C.
Other names: c.979A>G, p.Thr327Ala (NM_020910.3); short protein forms T327A.
Identifiers: ClinVar variation 4727389 (VCV004727389.1).
Genomic context (GRCh38, chr7:138,918,647, plus strand): 5'-CAGTCACAGTGGGGTATGTTCTTGGAGAGATGGTTTCTTCTAGGCTTTGACTCAACACAG[T>C]GGTCACATCAGTGTATCTGTCTGCACTTGTGGCCCAAACCTCCTCTGGAGGCTGTGAGAC-3'
Protein context (NP_001158137.1, residues 317-337): TSADRYTDVT[Thr327Ala]VLSQSLEETI

ClinVar aggregate classification (germline): Uncertain significance (1 of 4 stars; one submission).

Submission:

Labcorp Genetics (formerly Invitae), Labcorp
Classification: Uncertain significance. Last evaluated: 2025-09-17. Review status: criteria provided, single submitter. Criteria: Invitae Variant Classification Sherloc (09022015). Collection method: clinical testing. Allele origin: germline.
Comment: This sequence change replaces threonine, which is neutral and polar, with alanine, which is neutral and non-polar, at codon 327 of the KIAA1549 protein (p.Thr327Ala). This variant is not present in population databases (gnomAD no frequency). This variant has not been reported in the literature in individuals affected with KIAA1549-related conditions. An algorithm developed to predict the effect of missense changes on protein structure and function outputs the following: PolyPhen-2: "Benign". The alanine amino acid residue is found in multiple mammalian species, which suggests that this missense change does not adversely affect protein function. In summary, the available evidence is currently insufficient to determine the role of this variant in disease. Therefore, it has been classified as a Variant of Uncertain Significance.